The following is an entry in ClinVar:

ClinVar aggregate classification (germline): Uncertain significance (1 of 4 stars; one submission).

Conditions:
Alstrom syndrome (ALMS). Identifiers: Orphanet 64, MedGen C0268425, MONDO:0008763, OMIM 203800.

Allele frequency attached by ClinVar (database versions not stated): gnomAD 0.00001.
gnomAD v4.1: 1 of 1,613,924 alleles (0.000062%); highest among the groups gnomAD compares: Non-Finnish European, 0.000085%; no homozygotes.

Submission:

Labcorp Genetics (formerly Invitae), Labcorp
Classification: Uncertain significance for Alstrom syndrome. Last evaluated: 2021-09-25. Review status: criteria provided, single submitter. Criteria: Invitae Variant Classification Sherloc (09022015). Collection method: clinical testing. Allele origin: germline.
Comment: This sequence change replaces proline with serine at codon 2949 of the ALMS1 protein (p.Pro2949Ser). The proline residue is moderately conserved and there is a moderate physicochemical difference between proline and serine. This variant is not present in population databases (ExAC no frequency). This variant has not been reported in the literature in individuals affected with ALMS1-related conditions. Experimental studies and prediction algorithms are not available or were not evaluated, and the functional significance of this variant is currently unknown. In summary, the available evidence is currently insufficient to determine the role of this variant in disease. Therefore, it has been classified as a Variant of Uncertain Significance.

NM_001378454.1(ALMS1):c.8842C>T (p.Pro2948Ser)

Gene: ALMS1 (ALMS1 centrosome and basal body associated protein; plus strand). Cytogenetic location: 2p13.1.
Variant type: single nucleotide variant.
Coding change: c.8842C>T on transcript NM_001378454.1 (MANE Select); coding-DNA position 8842, C replaced by T.
Protein change: p.Pro2948Ser; replaces proline 2948 with serine.
Molecular consequence: missense variant.
Genome position (GRCh38, 1-based): chr2:73,490,801, C>T. VCF-style: chr2-73490801-C-T. GRCh37 (hg19) VCF-style: chr2-73717928-C-T.
Other names: c.8845C>T, p.Pro2949Ser (NM_015120.4); short protein forms P2948S, P2949S.
Identifiers: ClinVar variation 1418816 (VCV001418816.3), dbSNP rs1171275378, ClinGen allele CA347270877.